The following is an entry in ClinVar:

NM_001903.5(CTNNA1):c.2650C>T (p.Arg884Trp)

Gene: CTNNA1 (catenin alpha 1; plus strand). Cytogenetic location: 5q31.2.
Variant type: single nucleotide variant.
Coding change: c.2650C>T on transcript NM_001903.5 (MANE Select); coding-DNA position 2650, C replaced by T.
Protein change: p.Arg884Trp; replaces arginine 884 with tryptophan.
Molecular consequence: missense variant. On other transcripts: 3 prime UTR variant (5).
Genome position (GRCh38, 1-based): chr5:138,934,018, C>T. VCF-style: chr5-138934018-C-T. GRCh37 (hg19) VCF-style: chr5-138269707-C-T.
Other names: c.*195C>T (NM_001290307.3, NM_001324002.1, NM_001324003.1 and 2 more transcripts); c.2341C>T, p.Arg781Trp (NM_001290309.3); c.2281C>T, p.Arg761Trp (NM_001290310.3); c.1540C>T, p.Arg514Trp (NM_001290312.1, NM_001323987.1, NM_001323988.1 and 12 more transcripts); c.2650C>T, p.Arg884Trp (NM_001323982.2, NM_001323983.1, NM_001323984.2); c.2623C>T, p.Arg875Trp (NM_001323985.2); c.2557C>T, p.Arg853Trp (NM_001323986.2); c.1405C>T, p.Arg469Trp (NM_001324001.1); and 3 more; short protein forms R433W, R761W, R853W, R875W, R884W, R401W, R483W, R514W.
Identifiers: ClinVar variation 1488118 (VCV001488118.11), dbSNP rs1290775003, ClinGen allele CA361135690.
Genomic context (GRCh38, chr5:138,934,018, plus strand): 5'-CCAGAGAAAAAGCCATTGGTGAAGAGAGAGAAACAGGATGAGACACAGACCAAGATTAAA[C>T]GGGCATCTCAGAAGAAGCACGTGAACCCGGTGCAGGCCCTCAGCGAGTTCAAAGCTATGG-3'
Protein context (NP_001894.2, residues 874-894): KQDETQTKIK[Arg884Trp]ASQKKHVNPV

ClinVar aggregate classification (germline): Uncertain significance. Review status: criteria provided, multiple submitters, no conflicts (2 of 4 stars). 2 submissions from 2 submitters: Uncertain significance (2). Last evaluated 2024-05-04.

Conditions:
Hereditary cancer-predisposing syndrome. Also called: Hereditary neoplastic syndrome; Neoplastic Syndromes, Hereditary; Hereditary Cancer Syndrome; Tumor predisposition. Identifiers: Orphanet 140162, MedGen C0027672, MeSH D009386, MONDO:0015356.

Allele frequency attached by ClinVar (database versions not stated): gnomAD exomes below 0.00001.

Submissions (2):

Ambry Genetics
Classification: Uncertain significance for Hereditary cancer-predisposing syndrome. Last evaluated: 2024-05-04. Review status: criteria provided, single submitter. Criteria: Ambry Variant Classification Scheme 2023. Collection method: clinical testing. Allele origin: germline.
Comment: The p.R884W variant (also known as c.2650C>T), located in coding exon 17 of the CTNNA1 gene, results from a C to T substitution at nucleotide position 2650. The arginine at codon 884 is replaced by tryptophan, an amino acid with dissimilar properties. This amino acid position is conserved. In addition, the in silico prediction for this alteration is inconclusive. Since supporting evidence is limited at this time, the clinical significance of this alteration remains unclear.

Labcorp Genetics (formerly Invitae), Labcorp
Classification: Uncertain significance. Last evaluated: 2023-03-29. Review status: criteria provided, single submitter. Criteria: Invitae Variant Classification Sherloc (09022015). Collection method: clinical testing. Allele origin: germline.
Comment: In summary, the available evidence is currently insufficient to determine the role of this variant in disease. Therefore, it has been classified as a Variant of Uncertain Significance. Advanced modeling of protein sequence and biophysical properties (such as structural, functional, and spatial information, amino acid conservation, physicochemical variation, residue mobility, and thermodynamic stability) performed at Invitae indicates that this missense variant is not expected to disrupt CTNNA1 protein function. ClinVar contains an entry for this variant (Variation ID: 1488118). This variant has not been reported in the literature in individuals affected with CTNNA1-related conditions. This variant is present in population databases (no rsID available, gnomAD 0.003%). This sequence change replaces arginine, which is basic and polar, with tryptophan, which is neutral and slightly polar, at codon 884 of the CTNNA1 protein (p.Arg884Trp).